The following is an entry in ClinVar:

ClinVar aggregate classification (germline): Benign. Review status: criteria provided, multiple submitters, no conflicts (2 of 4 stars). 2 submissions from 2 submitters: Benign (2). Last evaluated 2024-01-24.

Submissions (2):

Unidad de Genómica Garrahan, Hospital de Pediatría Garrahan
Classification: Benign. Last evaluated: 2024-01-24. Review status: criteria provided, single submitter. Criteria: ACMG Guidelines, 2015. Collection method: clinical testing. Allele origin: germline. Affected: no. Observed: 33 variant alleles.
Comment: This variant is classified as Benign based on local population frequency. This variant was detected in 35% of patients studied by a panel of primary immunodeficiencies. Number of patients: 33. Only high quality variants are reported.

GeneDx
Classification: Benign. Last evaluated: 2015-03-03. Review status: criteria provided, single submitter. Criteria: GeneDx Variant Classification Process June 2021. Collection method: clinical testing. Allele origin: germline. Affected: yes.

NM_080911.3(UNG):c.534-25dup

Gene: UNG (uracil DNA glycosylase; plus strand). Cytogenetic location: 12q24.11.
Variant type: Duplication.
Coding change: c.534-25dup on transcript NM_080911.3 (MANE Select); 25 bases into the intron before coding-DNA position 534, one base duplicated (T; older notation c.534-25dupT).
Molecular consequence: intron variant.
Genome position (GRCh38, 1-based): chr12:109,102,814, T duplicated; the last of 6 consecutive T bases (chr12:109,102,809-109,102,814); duplicating any one gives the same sequence. VCF-style (leftmost placement, unchanged base first): chr12-109102808-G-GT. GRCh37 (hg19) VCF-style: chr12-109540613-G-GT.
Other names: c.507-25dup (NM_003362.4).
Identifiers: ClinVar variation 1249431 (VCV001249431.4), dbSNP rs3219235, ClinGen allele CA6772668.